The following is an entry in ClinVar:

ClinVar aggregate classification (germline): Likely benign (0 of 4 stars; one submission).

Conditions:
PTPRQ-related disorder. Also called: PTPRQ-related condition.

Allele frequency attached by ClinVar (database versions not stated): gnomAD exomes below 0.00001.
gnomAD v4.1: 6 of 1,539,932 alleles (0.00039%); highest among the groups gnomAD compares: Non-Finnish European, 0.00044%; no homozygotes.

Submission:

PreventionGenetics, part of Exact Sciences
Classification: Likely benign for PTPRQ-related condition. Last evaluated: 2023-11-13. Review status: no assertion criteria provided. Collection method: clinical testing. Allele origin: germline.
Comment: This variant is classified as likely benign based on ACMG/AMP sequence variant interpretation guidelines (Richards et al. 2015 PMID: 25741868, with internal and published modifications).

NM_001145026.2(PTPRQ):c.2379T>C (p.Tyr793=)

Gene: PTPRQ (protein tyrosine phosphatase receptor type Q; plus strand). Cytogenetic location: 12q21.31.
Variant type: single nucleotide variant.
Coding change: c.2379T>C on transcript NM_001145026.2 (MANE Select); coding-DNA position 2379, T replaced by C.
Protein change: p.Tyr793=; no amino-acid change (tyrosine 793 retained).
Molecular consequence: synonymous variant.
Genome position (GRCh38, 1-based): chr12:80,506,130, T>C. VCF-style: chr12-80506130-T-C. GRCh37 (hg19) VCF-style: chr12-80899909-T-C.
Identifiers: ClinVar variation 3038817 (VCV003038817.2), dbSNP rs1356281941, ClinGen allele CA480814836.